The following is an entry in ClinVar:

NM_016589.4(TIMMDC1):c.-2C>T

Gene: TIMMDC1 (translocase of inner mitochondrial membrane domain containing 1; plus strand). Cytogenetic location: 3q13.33.
Variant type: single nucleotide variant.
Coding change: c.-2C>T on transcript NM_016589.4 (MANE Select); 2 bases upstream of the start codon, C replaced by T.
Molecular consequence: 5 prime UTR variant.
Genome position (GRCh38, 1-based): chr3:119,498,732, C>T. VCF-style: chr3-119498732-C-T. GRCh37 (hg19) VCF-style: chr3-119217579-C-T.
Identifiers: ClinVar variation 1030567 (VCV001030567.1), dbSNP rs562405336, ClinGen allele CA2555086.

ClinVar aggregate classification (germline): Uncertain significance (1 of 4 stars; one submission).

Conditions:
Mitochondrial complex I deficiency, nuclear type 31. Also called: Mitochondrial complex 1 deficiency, nuclear type 31. Identifiers: MedGen C4748838, MONDO:0032634, OMIM 618251.

Allele frequency attached by ClinVar (database versions not stated): gnomAD 0.00001; gnomAD exomes 0.00001; TOPMed 0.00001; ExAC 0.00002; 1000 Genomes Project 30x 0.00016; 1000 Genomes Project 0.00020.
gnomAD v4.1: 2 of 1,613,974 alleles (0.00012%); highest among the groups gnomAD compares: East Asian, 0.0045%; no homozygotes.

Submission:

Baylor Genetics
Classification: Uncertain significance for Mitochondrial complex I deficiency, nuclear type 31. Last evaluated: 2019-06-24. Review status: criteria provided, single submitter. Criteria: ACMG Guidelines, 2015. Collection method: clinical testing. Allele origin: unknown. Affected: yes.
Comment: This variant was determined to be of uncertain significance according to ACMG Guidelines, 2015 [PMID:25741868].